The following is an entry in ClinVar:

ClinVar aggregate classification (germline): Pathogenic/Likely pathogenic. Review status: criteria provided, multiple submitters, no conflicts (2 of 4 stars). 4 submissions from 4 submitters: Pathogenic (3); Likely pathogenic (1). Last evaluated 2025-07-31.

Conditions:
Brain-lung-thyroid syndrome. Also called: Choreoathetosis, congenital hypothyroidism, and neonatal respiratory distress; Choreoathetosis, Congenital Hypothyroidism, and Neonatal Respiratory Distress Syndrome (Brain-Lung-Thyroid Syndrome); CHOREOATHETOSIS AND CONGENITAL HYPOTHYROIDISM WITH PULMONARY DYSFUNCTION. Identifiers: Orphanet 209905, MedGen C1970269, MONDO:0012593, OMIM 610978.

Submissions (4):

GeneDx
Classification: Pathogenic. Last evaluated: 2025-07-31. Review status: criteria provided, single submitter. Criteria: GeneDx Variant Classification Process June 2021. Collection method: clinical testing. Allele origin: germline. Affected: yes.
Comment: RNA studies demonstrate a damaging effect: [RT-PCR confirmed a 7-bp insertion in coding region and result in frameshift] (PMID: 22825795); Not observed at significant frequency in large population cohorts (gnomAD); In silico analysis supports a deleterious effect on splicing; This variant is associated with the following publications: (PMID: 22825795, 28588801)

Labcorp Genetics (formerly Invitae), Labcorp
Classification: Pathogenic. Last evaluated: 2024-01-02. Review status: criteria provided, single submitter. Criteria: Invitae Variant Classification Sherloc (09022015). Collection method: clinical testing. Allele origin: germline.
Comment: This sequence change falls in intron 2 of the NKX2-1 gene. It does not directly change the encoded amino acid sequence of the NKX2-1 protein. RNA analysis indicates that this variant induces altered splicing and may result in an absent or disrupted protein product. This variant is not present in population databases (gnomAD no frequency). This variant has been observed in individuals with clinical features consistent with NKX2-1 related conditions (PMID: 22825795, 28588801; Invitae). It has also been observed to segregate with disease in related individuals. ClinVar contains an entry for this variant (Variation ID: 2444045). Studies have shown that this variant results in an out of frame insertion and introduces a premature termination codon (PMID: 22825795). The resulting mRNA is expected to undergo nonsense-mediated decay. For these reasons, this variant has been classified as Pathogenic.

3billion
Classification: Likely pathogenic for Brain-lung-thyroid syndrome. Last evaluated: 2023-02-23. Review status: criteria provided, single submitter. Criteria: ACMG Guidelines, 2015. Collection method: clinical testing. Allele origin: unknown. Affected: yes.
Comment: The variant is not observed in the gnomAD v2.1.1 dataset. The variant is an intron variant. In silico tools predict the variant to alter splicing and produce an abnormal transcript (SpliceAI: 0.87). The variant has been reported to co-segregate with the disease in at least 7 similarly affected relatives/individuals in at least two unrelated families (PMID: 22825795, 28588801). The variant has been reported to be associated with NKX2-1 related disorder (PMID: 22825795). Therefore, this variant is classified as Likely pathogenic according to the recommendation of ACMG/AMP guideline.

Molecular Diagnostics Lab, Nemours Children's Health, Delaware
Classification: Pathogenic for Brain-lung-thyroid syndrome. Last evaluated: 2020-01-27. Review status: criteria provided, single submitter. Criteria: ACMG Guidelines, 2015. Collection method: clinical testing. Allele origin: maternal, unknown. Inheritance: Autosomal dominant inheritance. Affected: yes. Observed: 5 heterozygotes. Clinical features observed: Hypothyroidism (HP:0000821), Hypoxemia (HP:0012418), Central apnea (HP:0002871), Global developmental delay (HP:0001263), Chorea (HP:0002072), Asthma (HP:0002099).

Literature cited by the submitters: PubMed 22825795 (cited by 3 submitters); PubMed 28588801 (cited by Labcorp Genetics (formerly Invitae), Labcorp and 3billion).

NM_001079668.3(NKX2-1):c.464-9C>A

Genes: SFTA3 (surfactant associated 3; minus strand), NKX2-1 (NK2 homeobox 1; minus strand). Cytogenetic location: 14q13.3.
Variant type: single nucleotide variant.
Coding change: c.464-9C>A on transcript NM_001079668.3 (MANE Select); 9 bases into the intron before coding-DNA position 464, C replaced by A.
Molecular consequence: intron variant.
Genome position (GRCh38, 1-based): chr14:36,518,029, G>T on the plus strand (C>A on the coding strand, the complement: NKX2-1 is on the minus strand). VCF-style: chr14-36518029-G-T. GRCh37 (hg19) VCF-style: chr14-36987234-G-T.
Other names: c.464-9C>A (NM_001079668.2); c.374-9C>A (NM_003317.4).
Identifiers: ClinVar variation 2444045 (VCV002444045.7), dbSNP rs2139408360, ClinGen allele CA2580088223.